The following is an entry in ClinVar:

NM_005411.5(SFTPA1):c.710del (p.Asn237fs)

Gene: SFTPA1 (surfactant protein A1; plus strand). Cytogenetic location: 10q22.3.
Variant type: Deletion.
Coding change: c.710del on transcript NM_005411.5 (MANE Select); coding-DNA position 710, one base deleted (A; older notation c.710delA).
Protein change: p.Asn237fs; shifts the reading frame from asparagine 237.
Molecular consequence: frameshift variant.
Genome position (GRCh38, 1-based): chr10:79,614,076, A deleted; the last of 2 consecutive A bases (chr10:79,614,075-79,614,076); deleting either gives the same sequence. VCF-style (leftmost placement, unchanged base first): chr10-79614074-GA-G. GRCh37 (hg19) VCF-style: chr10-81373830-GA-G.
Other names: c.755del, p.Asn252fs (NM_001093770.3); c.710del, p.Asn237fs (NM_001164644.2, NM_001164647.1); c.608del, p.Asn203fs (NM_001164645.2); c.563del, p.Asn188fs (NM_001164646.2); short protein forms N188fs, N203fs, N237fs, N252fs.
Identifiers: ClinVar variation 3772063 (VCV003772063.13).
Genomic context (GRCh38, chr10:79,614,074, plus strand): 5'-CGCAGGTCGGGGAAAAGAGCAGTGTGTGGAGATGTACACAGATGGGCAGTGGAATGACAG[GA>G]ACTGCCTGTACTCCCGACTGACCATCTGTGAGTTCTGAGAGGCATTTAGGCCATGGGACA-3'

ClinVar aggregate classification (germline): Uncertain significance (1 of 4 stars; one submission).

Submission:

CeGaT Center for Human Genetics Tuebingen
Classification: Uncertain significance. Last evaluated: 2024-12-01. Review status: criteria provided, single submitter. Criteria: CeGaT Center For Human Genetics Tuebingen Variant Classification Criteria Version 2. Collection method: clinical testing. Allele origin: germline. Affected: yes. Observed: 1 variant allele.
Comment: SFTPA1: PM2